The following is an entry in ClinVar:

NM_001376.5(DYNC1H1):c.1504C>T (p.Pro502Ser)

Gene: DYNC1H1 (dynein cytoplasmic 1 heavy chain 1; plus strand). Cytogenetic location: 14q32.31.
Variant type: single nucleotide variant.
Coding change: c.1504C>T on transcript NM_001376.5 (MANE Select); coding-DNA position 1504, C replaced by T.
Protein change: p.Pro502Ser; replaces proline 502 with serine.
Molecular consequence: missense variant.
Genome position (GRCh38, 1-based): chr14:101,985,729, C>T. VCF-style: chr14-101985729-C-T. GRCh37 (hg19) VCF-style: chr14-102452066-C-T.
Other names: short protein forms P502S.
Identifiers: ClinVar variation 3666041 (VCV003666041.2).
Genomic context (GRCh38, chr14:101,985,729, plus strand): 5'-CATATCTTTCTCCTTTAGGTCACGGCAGTTGCACAACAGAATCAAGGAGAGGTCCCTGAA[C>T]CCCAAGATATGAAAGTGGCTGAGGTTCTCTTTGATGCTGCAGATGCAAATGCCATTGAGG-3'
Protein context (NP_001367.2, residues 492-512): AQQNQGEVPE[Pro502Ser]QDMKVAEVLF

ClinVar aggregate classification (germline): Uncertain significance (1 of 4 stars; one submission).

Conditions:
Charcot-Marie-Tooth disease axonal type 2O. Also called: CHARCOT-MARIE-TOOTH NEUROPATHY, AXONAL, TYPE 2O; CHARCOT-MARIE-TOOTH DISEASE, AXONAL, AUTOSOMAL DOMINANT, TYPE 2O; Charcot-Marie-Tooth Neuropathy Type 2O; Charcot-Marie-Tooth disease, axonal, type 20. Identifiers: Orphanet 284232, MedGen C3280220, MONDO:0013644, OMIM 614228.

Submission:

Labcorp Genetics (formerly Invitae), Labcorp
Classification: Uncertain significance for Charcot-Marie-Tooth disease axonal type 2O. Last evaluated: 2024-11-13. Review status: criteria provided, single submitter. Criteria: Invitae Variant Classification Sherloc (09022015). Collection method: clinical testing. Allele origin: germline.
Comment: This sequence change replaces proline, which is neutral and non-polar, with serine, which is neutral and polar, at codon 502 of the DYNC1H1 protein (p.Pro502Ser). This variant is not present in population databases (gnomAD no frequency). This variant has not been reported in the literature in individuals affected with DYNC1H1-related conditions. Invitae Evidence Modeling of protein sequence and biophysical properties (such as structural, functional, and spatial information, amino acid conservation, physicochemical variation, residue mobility, and thermodynamic stability) indicates that this missense variant is not expected to disrupt DYNC1H1 protein function with a negative predictive value of 95%. In summary, the available evidence is currently insufficient to determine the role of this variant in disease. Therefore, it has been classified as a Variant of Uncertain Significance.